The following is an entry in ClinVar:

ClinVar aggregate classification (germline): Likely pathogenic. Review status: criteria provided, multiple submitters, no conflicts (2 of 4 stars). 2 submissions from 2 submitters: Likely pathogenic (2). Last evaluated 2024-02-19.

Conditions:
DPYD-related disorder. Also called: DPYD-related condition.
Dihydropyrimidine dehydrogenase deficiency (DPYDD). Also called: DPD DEFICIENCY; DPYD DEFICIENCY; Hereditary Thymine-Uraciluria. Identifiers: Orphanet 1675, MedGen C1959620, MONDO:0010130, OMIM 274270.

Allele frequency attached by ClinVar (database versions not stated): gnomAD exomes below 0.00001; gnomAD 0.00001.
gnomAD v4.1: 4 of 1,612,858 alleles (0.00025%); highest among the groups gnomAD compares: Non-Finnish European, 0.00034%; no homozygotes.

Submissions (2):

Baylor Genetics
Classification: Likely pathogenic for Dihydropyrimidine dehydrogenase deficiency. Last evaluated: 2024-02-19. Review status: criteria provided, single submitter. Criteria: ACMG Guidelines, 2015. Collection method: clinical testing. Allele origin: unknown.

PreventionGenetics, part of Exact Sciences
Classification: Likely pathogenic for DPYD-related condition. Last evaluated: 2023-03-13. Review status: criteria provided, single submitter. Criteria: ACMG Guidelines, 2015. Collection method: clinical testing. Allele origin: germline.
Comment: The DPYD c.1340-2A>C variant is predicted to disrupt the AG splice acceptor site and interfere with normal splicing. To our knowledge, this variant has not been reported in the literature. This variant is reported in 0.0065% of alleles in individuals of European (Non-Finnish) descent in gnomAD. Variants that disrupt the consensus splice acceptor site in DPYD are expected to be pathogenic. This variant is interpreted as likely pathogenic.

NM_000110.4(DPYD):c.1340-2A>C

Gene: DPYD (dihydropyrimidine dehydrogenase; minus strand). Cytogenetic location: 1p21.3.
Variant type: single nucleotide variant.
Coding change: c.1340-2A>C on transcript NM_000110.4 (MANE Select); the canonical splice acceptor site of the intron before coding-DNA position 1340, A replaced by C.
Molecular consequence: splice acceptor variant.
Genome position (GRCh38, 1-based): chr1:97,549,746, T>G on the plus strand (A>C on the coding strand, the complement: DPYD is on the minus strand). VCF-style: chr1-97549746-T-G. GRCh37 (hg19) VCF-style: chr1-98015302-T-G.
Identifiers: ClinVar variation 2633588 (VCV002633588.3), dbSNP rs1057516713, ClinGen allele CA341377934.